The following is an entry in ClinVar:

NM_015509.4(NECAP1):c.569C>G (p.Pro190Arg)

Gene: NECAP1 (NECAP endocytosis associated 1; plus strand). Cytogenetic location: 12p13.31.
Variant type: single nucleotide variant.
Coding change: c.569C>G on transcript NM_015509.4 (MANE Select); coding-DNA position 569, C replaced by G.
Protein change: p.Pro190Arg; replaces proline 190 with arginine.
Molecular consequence: missense variant. On other transcripts: non-coding transcript variant (1).
Genome position (GRCh38, 1-based): chr12:8,092,948, C>G. VCF-style: chr12-8092948-C-G. GRCh37 (hg19) VCF-style: chr12-8245544-C-G.
Other names: short protein forms P190R.
Identifiers: ClinVar variation 649588 (VCV000649588.9), dbSNP rs764080699, ClinGen allele CA6432303.

ClinVar aggregate classification (germline): Uncertain significance (1 of 4 stars; one submission).

Conditions:
Developmental and epileptic encephalopathy, 21 (DEE21). Also called: Early infantile epileptic encephalopathy 21. Identifiers: Orphanet 442835, MedGen C4014430, MONDO:0014360, OMIM 615833.

Allele frequency attached by ClinVar (database versions not stated): TOPMed 0.00001.
gnomAD v4.1: 7 of 1,606,256 alleles (0.00044%); highest among the groups gnomAD compares: Non-Finnish European, 0.0006%; no homozygotes.

Submission:

Labcorp Genetics (formerly Invitae), Labcorp
Classification: Uncertain significance for Developmental and epileptic encephalopathy, 21. Last evaluated: 2024-01-31. Review status: criteria provided, single submitter. Criteria: Invitae Variant Classification Sherloc (09022015). Collection method: clinical testing. Allele origin: germline.
Comment: This sequence change replaces proline, which is neutral and non-polar, with arginine, which is basic and polar, at codon 190 of the NECAP1 protein (p.Pro190Arg). This variant is present in population databases (rs764080699, gnomAD 0.0009%). This variant has not been reported in the literature in individuals affected with NECAP1-related conditions. ClinVar contains an entry for this variant (Variation ID: 649588). An algorithm developed to predict the effect of missense changes on protein structure and function (PolyPhen-2) suggests that this variant is likely to be disruptive. In summary, the available evidence is currently insufficient to determine the role of this variant in disease. Therefore, it has been classified as a Variant of Uncertain Significance.